The following is an entry in ClinVar:

NM_004523.4(KIF11):c.851_876dup (p.Leu293delinsLysLeuGluIleTer)

Gene: KIF11 (kinesin family member 11; plus strand). Cytogenetic location: 10q23.33.
Variant type: Duplication.
Coding change: c.851_876dup on transcript NM_004523.4 (MANE Select); coding-DNA positions 851 to 876, 26 bases duplicated (AAGCTGGAAATATAAATCAATCCCTG).
Protein change: p.Leu293delinsLysLeuGluIleTer.
Molecular consequence: nonsense.
Genome position (GRCh38, 1-based): chr10:92,613,438-92,613,463, AAGCTGGAAATATAAATCAATCCCTG duplicated; duplicating any 26 consecutive bases within chr10:92,613,437-92,613,463 gives the same sequence; the c. name uses the placement nearest the transcript's 3' end. VCF-style (leftmost placement, unchanged base first): chr10-92613436-G-GGAAGCTGGAAATATAAATCAATCCCT. GRCh37 (hg19) VCF-style: chr10-94373193-G-GGAAGCTGGAAATATAAATCAATCCCT.
Identifiers: ClinVar variation 4855364 (VCV004855364.1).

ClinVar aggregate classification (germline): Likely pathogenic (1 of 4 stars; one submission).

Conditions:
Microcephaly with or without chorioretinopathy, lymphedema, or impaired intellectual development. Also called: MICROCEPHALY, LYMPHEDEMA, CHORIORETINAL DYSPLASIA SYNDROME; Microcephaly lymphedema chorioretinal dysplasia; MICROCEPHALY AND CHORIORETINOPATHY WITH OR WITHOUT MENTAL RETARDATION, AUTOSOMAL DOMINANT; Microcephaly with or without chorioretinopathy, lymphedema, or mental retardation; Microcephaly with or without chorioretinopathy, lymphedema, or intellectual disability. Identifiers: Orphanet 2526, MedGen C1835265, MONDO:0007918, OMIM 152950.

Submission:

3billion
Classification: Likely pathogenic for Microcephaly with or without chorioretinopathy, lymphedema, or impaired intellectual development. Last evaluated: 2025-11-25. Review status: criteria provided, single submitter. Criteria: ACMG Guidelines, 2015. Collection method: clinical testing. Allele origin: germline. Affected: yes.
Comment: The variant is not observed in the gnomAD v4.1.0 dataset. Predicted Consequence/Location: Frameshift: predicted to result in a loss or disruption of normal protein function through nonsense-mediated decay (NMD) or protein truncation. Multiple pathogenic variants are reported downstream of the variant. Therefore, this variant is classified as Likely pathogenic according to the recommendation of ACMG/AMP guideline.